The following is an entry in ClinVar:

NM_001164665.2(KIAA1549):c.5351A>T (p.Gln1784Leu)

Gene: KIAA1549 (KIAA1549; minus strand). Cytogenetic location: 7q34.
Variant type: single nucleotide variant.
Coding change: c.5351A>T on transcript NM_001164665.2 (MANE Select); coding-DNA position 5351, A replaced by T.
Protein change: p.Gln1784Leu; replaces glutamine 1784 with leucine.
Molecular consequence: missense variant.
Genome position (GRCh38, 1-based): chr7:138,844,418, T>A on the plus strand (A>T on the coding strand, the complement: KIAA1549 is on the minus strand). VCF-style: chr7-138844418-T-A. GRCh37 (hg19) VCF-style: chr7-138529163-T-A.
Other names: c.5351A>T, p.Gln1784Leu (NM_020910.3); c.5351A>T (NM_001164665.1); short protein forms Q1784L.
Identifiers: ClinVar variation 1051141 (VCV001051141.11), dbSNP rs374950423, ClinGen allele CA4505584.

ClinVar aggregate classification (germline): Uncertain significance. Review status: criteria provided, multiple submitters, no conflicts (2 of 4 stars). 3 submissions from 3 submitters: Uncertain significance (3). Last evaluated 2025-06-10.

Conditions:
Inborn genetic diseases. Identifiers: MedGen C0950123, MeSH D030342.

Allele frequency attached by ClinVar (database versions not stated): ESP Exome Variant Server 0.00008; TOPMed 0.00008.
gnomAD v4.1: 18 of 1,598,188 alleles (0.0011%); highest among the groups gnomAD compares: African/African-American, 0.021%; 1 homozygote.

Submissions (3):

Ambry Genetics
Classification: Uncertain significance for Inborn genetic diseases. Last evaluated: 2025-06-10. Review status: criteria provided, single submitter. Criteria: Ambry Variant Classification Scheme 2023. Collection method: clinical testing. Allele origin: germline.

Labcorp Genetics (formerly Invitae), Labcorp
Classification: Uncertain significance. Last evaluated: 2023-10-13. Review status: criteria provided, single submitter. Criteria: Invitae Variant Classification Sherloc (09022015). Collection method: clinical testing. Allele origin: germline.
Comment: This sequence change replaces glutamine, which is neutral and polar, with leucine, which is neutral and non-polar, at codon 1784 of the KIAA1549 protein (p.Gln1784Leu). This variant is present in population databases (rs374950423, gnomAD 0.03%). This variant has not been reported in the literature in individuals affected with KIAA1549-related conditions. ClinVar contains an entry for this variant (Variation ID: 1051141). An algorithm developed to predict the effect of missense changes on protein structure and function (PolyPhen-2) suggests that this variant is likely to be tolerated. In summary, the available evidence is currently insufficient to determine the role of this variant in disease. Therefore, it has been classified as a Variant of Uncertain Significance.

Blueprint Genetics
Classification: Uncertain significance. Last evaluated: 2021-10-05. Review status: criteria provided, single submitter. Criteria: ACMG Guidelines, 2015. Collection method: clinical testing. Allele origin: germline.